The following is an entry in ClinVar:

ClinVar aggregate classification (germline): Uncertain significance. Review status: criteria provided, multiple submitters, no conflicts (2 of 4 stars). 2 submissions from 2 submitters: Uncertain significance (2). Last evaluated 2024-10-26.

gnomAD v4.1: 23 of 1,604,906 alleles (0.0014%); highest among the groups gnomAD compares: Non-Finnish European, 0.002%; no homozygotes.

Submissions (2):

Labcorp Genetics (formerly Invitae), Labcorp
Classification: Uncertain significance. Last evaluated: 2024-10-26. Review status: criteria provided, single submitter. Criteria: Invitae Variant Classification Sherloc (09022015). Collection method: clinical testing. Allele origin: germline.
Comment: This sequence change replaces proline, which is neutral and non-polar, with alanine, which is neutral and non-polar, at codon 1298 of the TOP2B protein (p.Pro1298Ala). This variant is not present in population databases (gnomAD no frequency). This variant has not been reported in the literature in individuals affected with TOP2B-related conditions. ClinVar contains an entry for this variant (Variation ID: 2581429). An algorithm developed to predict the effect of missense changes on protein structure and function (PolyPhen-2) suggests that this variant is likely to be tolerated. In summary, the available evidence is currently insufficient to determine the role of this variant in disease. Therefore, it has been classified as a Variant of Uncertain Significance.

Women's Health and Genetics/Laboratory Corporation of America, LabCorp
Classification: Uncertain significance. Last evaluated: 2023-08-29. Review status: criteria provided, single submitter. Criteria: LabCorp Variant Classification Summary - May 2015. Collection method: clinical testing. Allele origin: germline.
Comment: Variant summary: TOP2B c.3892C>G (p.Pro1298Ala) results in a non-conservative amino acid change in the encoded protein sequence. Three of five in-silico tools predict a benign effect of the variant on protein function. The variant was absent in 232154 control chromosomes (gnomAD). The available data on variant occurrences in the general population are insufficient to allow any conclusion about variant significance. To our knowledge, no occurrence of c.3892C>G in individuals affected with TOP2B-Related Disorders and no experimental evidence demonstrating its impact on protein function have been reported. No submitters have cited clinical-significance assessments for this variant to ClinVar after 2014. Based on the evidence outlined above, the variant was classified as uncertain significance.

NM_001330700.2(TOP2B):c.3907C>G (p.Pro1303Ala)

Gene: TOP2B (DNA topoisomerase II beta; minus strand). Cytogenetic location: 3p24.2.
Variant type: single nucleotide variant.
Coding change: c.3907C>G on transcript NM_001330700.2 (MANE Select); coding-DNA position 3907, C replaced by G.
Protein change: p.Pro1303Ala; replaces proline 1303 with alanine.
Molecular consequence: missense variant.
Genome position (GRCh38, 1-based): chr3:25,609,592, G>C on the plus strand (C>G on the coding strand, the complement: TOP2B is on the minus strand). VCF-style: chr3-25609592-G-C. GRCh37 (hg19) VCF-style: chr3-25651083-G-C.
Other names: c.3892C>G, p.Pro1298Ala (NM_001068.3); short protein forms P1298A, P1303A.
Identifiers: ClinVar variation 2581429 (VCV002581429.4), dbSNP rs1702319009, ClinGen allele CA351894139.